The following is an entry in ClinVar:

ClinVar aggregate classification (germline): Uncertain significance. Review status: criteria provided, multiple submitters, no conflicts (2 of 4 stars). 2 submissions from 2 submitters: Uncertain significance (2). Last evaluated 2024-10-07.

gnomAD v4.1: 4 of 1,550,346 alleles (0.00026%); highest among the groups gnomAD compares: Non-Finnish European, 0.000087%; no homozygotes.

Submissions (2):

Labcorp Genetics (formerly Invitae), Labcorp
Classification: Uncertain significance. Last evaluated: 2024-10-07. Review status: criteria provided, single submitter. Criteria: Invitae Variant Classification Sherloc (09022015). Collection method: clinical testing. Allele origin: germline.
Comment: This sequence change replaces glutamic acid, which is acidic and polar, with aspartic acid, which is acidic and polar, at codon 2431 of the ZNF469 protein (p.Glu2431Asp). This variant is present in population databases (rs758555802, gnomAD 0.02%). This variant has not been reported in the literature in individuals affected with ZNF469-related conditions. ClinVar contains an entry for this variant (Variation ID: 1307285). An algorithm developed to predict the effect of missense changes on protein structure and function outputs the following: PolyPhen-2: "Benign". The aspartic acid amino acid residue is found in multiple mammalian species, which suggests that this missense change does not adversely affect protein function. In summary, the available evidence is currently insufficient to determine the role of this variant in disease. Therefore, it has been classified as a Variant of Uncertain Significance.

GeneDx
Classification: Uncertain significance. Last evaluated: 2021-06-18. Review status: criteria provided, single submitter. Criteria: GeneDx Variant Classification Process June 2021. Collection method: clinical testing. Allele origin: germline. Affected: yes.
Comment: Has not been previously published as pathogenic or benign to our knowledge; In silico analysis, which includes protein predictors and evolutionary conservation, supports that this variant does not alter protein structure/function; This variant is associated with the following publications: (PMID: 27535533)

NM_001367624.2(ZNF469):c.7377G>C (p.Glu2459Asp)

Gene: ZNF469 (zinc finger protein 469; plus strand). Cytogenetic location: 16q24.2.
Variant type: single nucleotide variant.
Coding change: c.7377G>C on transcript NM_001367624.2 (MANE Select); coding-DNA position 7377, G replaced by C.
Protein change: p.Glu2459Asp; replaces glutamic acid 2459 with aspartic acid.
Molecular consequence: missense variant.
Genome position (GRCh38, 1-based): chr16:88,434,847, G>C. VCF-style: chr16-88434847-G-C. GRCh37 (hg19) VCF-style: chr16-88501255-G-C.
Other names: NM_001127464.1:c.7293G>C; short protein forms E2459D.
Identifiers: ClinVar variation 1307285 (VCV001307285.3), dbSNP rs758555802, ClinGen allele CA8225241.